The following is an entry in ClinVar:

ClinVar aggregate classification (germline): Likely pathogenic (1 of 4 stars; one submission).

Conditions:
Ehlers-Danlos syndrome, kyphoscoliotic type, 2. Also called: Ehlers-Danlos syndrome with progressive kyphoscoliosis, myopathy, and hearing loss; Ehlers-Danlos syndrome, kyphoscoliotic and deafness type; FKBP14-Kyphoscoliotic Ehlers-Danlos Syndrome. Identifiers: Orphanet 300179, MedGen C3281160, MONDO:0013800, OMIM 614557.

gnomAD v4.1: 4 of 1,601,172 alleles (0.00025%); highest among the groups gnomAD compares: African/African-American, 0.0027%; no homozygotes.

Submission:

Labcorp Genetics (formerly Invitae), Labcorp
Classification: Likely pathogenic for Ehlers-Danlos syndrome, kyphoscoliotic type, 2. Last evaluated: 2022-07-06. Review status: criteria provided, single submitter. Criteria: Invitae Variant Classification Sherloc (09022015). Collection method: clinical testing. Allele origin: germline.
Comment: This sequence change affects a donor splice site in intron 1 of the FKBP14 gene. It is expected to disrupt RNA splicing. Variants that disrupt the donor or acceptor splice site typically lead to a loss of protein function (PMID: 16199547), and loss-of-function variants in FKBP14 are known to be pathogenic (PMID: 22265013). This variant is present in population databases (no rsID available, gnomAD 0.003%). This variant has not been reported in the literature in individuals affected with FKBP14-related conditions. ClinVar contains an entry for this variant (Variation ID: 944682). Algorithms developed to predict the effect of sequence changes on RNA splicing suggest that this variant may disrupt the consensus splice site. In summary, the currently available evidence indicates that the variant is pathogenic, but additional data are needed to prove that conclusively. Therefore, this variant has been classified as Likely Pathogenic.

Literature cited by the submitters: PubMed 16199547; PubMed 22265013.

NM_017946.4(FKBP14):c.197+1G>A

Genes: FKBP14 (FKBP prolyl isomerase 14; minus strand), FKBP14-AS1 (FKBP14 antisense RNA 1; plus strand). Cytogenetic location: 7p14.3.
Variant type: single nucleotide variant.
Coding change: c.197+1G>A on transcript NM_017946.4 (MANE Select); the canonical splice donor site of the intron after coding-DNA position 197, G replaced by A.
Molecular consequence: splice donor variant.
Genome position (GRCh38, 1-based): chr7:30,026,311, C>T on the plus strand (G>A on the coding strand, the complement: FKBP14 is on the minus strand). VCF-style: chr7-30026311-C-T. GRCh37 (hg19) VCF-style: chr7-30065927-C-T.
Identifiers: ClinVar variation 944682 (VCV000944682.8), dbSNP rs758622304, ClinGen allele CA367117685.